The following is an entry in ClinVar:

ClinVar aggregate classification (germline): Uncertain significance. Review status: criteria provided, multiple submitters, no conflicts (2 of 4 stars). 2 submissions from 2 submitters: Uncertain significance (2). Last evaluated 2024-04-25.

Conditions:
POLD1-related polyposis and colorectal cancer syndrome (CRCS10). Also called: Colorectal cancer, susceptibility to, 10; Colorectal cancer 10; COLORECTAL CANCER, SUSCEPTIBILITY TO, ON CHROMOSOME 19q. Identifiers: Orphanet 220460, MedGen C2675481, MONDO:0012953, OMIM 612591.

Submissions (2):

GeneDx
Classification: Uncertain significance. Last evaluated: 2024-04-25. Review status: criteria provided, single submitter. Criteria: GeneDx Variant Classification Process June 2021. Collection method: clinical testing. Allele origin: germline. Affected: yes.
Comment: Not observed at significant frequency in large population cohorts (gnomAD); In silico analysis indicates that this missense variant does not alter protein structure/function; Has not been previously published as pathogenic or benign to our knowledge

Labcorp Genetics (formerly Invitae), Labcorp
Classification: Uncertain significance for POLD1-related polyposis and colorectal cancer syndrome. Last evaluated: 2021-07-20. Review status: criteria provided, single submitter. Criteria: Invitae Variant Classification Sherloc (09022015). Collection method: clinical testing. Allele origin: germline.
Comment: This variant has not been reported in the literature in individuals affected with POLD1-related conditions. This variant is not present in population databases (ExAC no frequency). This sequence change replaces proline with leucine at codon 243 of the POLD1 protein (p.Pro243Leu). The proline residue is weakly conserved and there is a moderate physicochemical difference between proline and leucine. Algorithms developed to predict the effect of missense changes on protein structure and function (SIFT, PolyPhen-2, Align-GVGD) all suggest that this variant is likely to be tolerated. In summary, the available evidence is currently insufficient to determine the role of this variant in disease. Therefore, it has been classified as a Variant of Uncertain Significance.

NM_002691.4(POLD1):c.728C>T (p.Pro243Leu)

Gene: POLD1 (DNA polymerase delta 1, catalytic subunit; plus strand). Cytogenetic location: 19q13.33.
Variant type: single nucleotide variant.
Coding change: c.728C>T on transcript NM_002691.4 (MANE Select); coding-DNA position 728, C replaced by T.
Protein change: p.Pro243Leu; replaces proline 243 with leucine.
Molecular consequence: missense variant. On other transcripts: non-coding transcript variant (1).
Genome position (GRCh38, 1-based): chr19:50,402,343, C>T. VCF-style: chr19-50402343-C-T. GRCh37 (hg19) VCF-style: chr19-50905600-C-T.
Other names: c.728C>T, p.Pro243Leu (NM_001256849.1, NM_001308632.1); c.728C>T (NM_002691.3); short protein forms P243L.
Identifiers: ClinVar variation 1360519 (VCV001360519.9), dbSNP rs2122246440, ClinGen allele CA406974544.